The following is an entry in ClinVar:

NM_001378454.1(ALMS1):c.1807G>A (p.Ala603Thr)

Gene: ALMS1 (ALMS1 centrosome and basal body associated protein; plus strand). Cytogenetic location: 2p13.1.
Variant type: single nucleotide variant.
Coding change: c.1807G>A on transcript NM_001378454.1 (MANE Select); coding-DNA position 1807, G replaced by A.
Protein change: p.Ala603Thr; replaces alanine 603 with threonine.
Molecular consequence: missense variant.
Genome position (GRCh38, 1-based): chr2:73,448,334, G>A. VCF-style: chr2-73448334-G-A. GRCh37 (hg19) VCF-style: chr2-73675461-G-A.
Other names: c.1810G>A, p.Ala604Thr (NM_015120.4); short protein forms A603T, A604T.
Identifiers: ClinVar variation 1411787 (VCV001411787.6), dbSNP rs745501026, ClinGen allele CA1713228.

ClinVar aggregate classification (germline): Uncertain significance (1 of 4 stars; one submission).

Conditions:
Alstrom syndrome (ALMS). Identifiers: Orphanet 64, MedGen C0268425, MONDO:0008763, OMIM 203800.

Allele frequency attached by ClinVar (database versions not stated): ExAC 0.00002.
gnomAD v4.1: 4 of 1,613,972 alleles (0.00025%); highest among the groups gnomAD compares: South Asian, 0.0033%; no homozygotes.

Submission:

Labcorp Genetics (formerly Invitae), Labcorp
Classification: Uncertain significance for Alstrom syndrome. Last evaluated: 2024-10-07. Review status: criteria provided, single submitter. Criteria: Invitae Variant Classification Sherloc (09022015). Collection method: clinical testing. Allele origin: germline.
Comment: This sequence change replaces alanine, which is neutral and non-polar, with threonine, which is neutral and polar, at codon 604 of the ALMS1 protein (p.Ala604Thr). This variant is present in population databases (rs745501026, gnomAD 0.006%). This variant has not been reported in the literature in individuals affected with ALMS1-related conditions. ClinVar contains an entry for this variant (Variation ID: 1411787). Experimental studies and prediction algorithms are not available or were not evaluated, and the functional significance of this variant is currently unknown. In summary, the available evidence is currently insufficient to determine the role of this variant in disease. Therefore, it has been classified as a Variant of Uncertain Significance.